The following is an entry in ClinVar:

ClinVar aggregate classification (germline): Uncertain significance (1 of 4 stars; one submission).

Conditions:
Inborn genetic diseases. Identifiers: MedGen C0950123, MeSH D030342.

Allele frequency attached by ClinVar (database versions not stated): TOPMed below 0.00001; gnomAD exomes 0.00001; ExAC 0.00005.

Submission:

Ambry Genetics
Classification: Uncertain significance for Inborn genetic diseases. Last evaluated: 2025-01-14. Review status: criteria provided, single submitter. Criteria: Ambry Variant Classification Scheme 2023. Collection method: clinical testing. Allele origin: germline.
Comment: The p.I1422T variant (also known as c.4265T>C), located in coding exon 1 of the SAMD9 gene, results from a T to C substitution at nucleotide position 4265. The isoleucine at codon 1422 is replaced by threonine, an amino acid with similar properties. This amino acid position is conserved. In addition, this alteration is predicted to be tolerated by in silico analysis. Based on the available evidence, the clinical significance of this variant remains unclear.

NM_017654.4(SAMD9):c.4265T>C (p.Ile1422Thr)

Gene: SAMD9 (sterile alpha motif domain containing 9; minus strand). Cytogenetic location: 7q21.2.
Variant type: single nucleotide variant.
Coding change: c.4265T>C on transcript NM_017654.4 (MANE Select); coding-DNA position 4265, T replaced by C.
Protein change: p.Ile1422Thr; replaces isoleucine 1422 with threonine.
Molecular consequence: missense variant.
Genome position (GRCh38, 1-based): chr7:93,101,833, A>G on the plus strand (T>C on the coding strand, the complement: SAMD9 is on the minus strand). VCF-style: chr7-93101833-A-G. GRCh37 (hg19) VCF-style: chr7-92731146-A-G.
Other names: c.4265T>C, p.Ile1422Thr (NM_001193307.2); short protein forms I1422T.
Identifiers: ClinVar variation 2485793 (VCV002485793.3), dbSNP rs753657052, ClinGen allele CA4342578.